The following is an entry in ClinVar:

NM_000642.3(AGL):c.3588_3588+2del

Gene: AGL (amylo-alpha-1,6-glucosidase and 4-alpha-glucanotransferase; plus strand). Cytogenetic location: 1p21.2.
Variant type: Deletion.
Coding change: c.3588_3588+2del on transcript NM_000642.3 (MANE Select); coding-DNA position 3588 through the canonical splice donor site of the intron after coding-DNA position 3588, 3 bases deleted (GGT; older notation c.3588_3588+2delGGT).
Molecular consequence: splice donor variant.
Genome position (GRCh38, 1-based): chr1:99,900,861-99,900,863, GGT deleted; deleting any 3 consecutive bases within chr1:99,900,860-99,900,863 gives the same sequence; the c. name uses the placement nearest the transcript's 3' end. VCF-style (leftmost placement, unchanged base first): chr1-99900859-CTGG-C. GRCh37 (hg19) VCF-style: chr1-100366415-CTGG-C.
Other names: c.3588_3588+2del (NM_000643.3, NM_000644.3, NM_001425325.1 and 1 more transcripts); c.3540_3540+2del (NM_000646.3); c.3567_3567+2del (NM_001425326.1); c.3387_3387+2del (NM_001425327.1); c.3384_3384+2del (NM_001425328.1); c.3249_3249+2del (NM_001425329.1); c.3210_3210+2del (NM_001425332.1).
Identifiers: ClinVar variation 2856135 (VCV002856135.3), dbSNP rs2523717357, ClinGen allele CA2739272719.
Genomic context (GRCh38, chr1:99,900,859, plus strand): 5'-AAGTGCCCAGTTTCCAGAATGTATCCTACAGATGATTCTGCTCCTTTGCCTGCTGGCACA[CTGG>C]TAAAGATATTTCTTAAAATGTTTTTTTGTTTTTTTTTTTTTTTCTGAAAAATGACTTTTA-3'

ClinVar aggregate classification (germline): Likely pathogenic (1 of 4 stars; one submission).

Conditions:
Glycogen storage disease type III (GSD3). Also called: Cori disease; FORBES DISEASE. Identifiers: Orphanet 366, MedGen C0017922, MONDO:0009291, OMIM 232400.

Submission:

Labcorp Genetics (formerly Invitae), Labcorp
Classification: Likely pathogenic for Glycogen storage disease type III. Last evaluated: 2023-04-14. Review status: criteria provided, single submitter. Criteria: Invitae Variant Classification Sherloc (09022015). Collection method: clinical testing. Allele origin: germline.
Comment: In summary, the currently available evidence indicates that the variant is pathogenic, but additional data are needed to prove that conclusively. Therefore, this variant has been classified as Likely Pathogenic. Algorithms developed to predict the effect of sequence changes on RNA splicing suggest that this variant may disrupt the consensus splice site. This variant has not been reported in the literature in individuals affected with AGL-related conditions. This variant is not present in population databases (gnomAD no frequency). This sequence change affects a splice site in intron 26 of the AGL gene. It is expected to disrupt RNA splicing. Variants that disrupt the donor or acceptor splice site typically lead to a loss of protein function (PMID: 16199547), and loss-of-function variants in AGL are known to be pathogenic (PMID: 19299494).

Literature cited by the submitters: PubMed 16199547; PubMed 19299494.